The following is an entry in ClinVar:

ClinVar aggregate classification (germline): Likely benign. Review status: criteria provided, multiple submitters, no conflicts (2 of 4 stars). 3 submissions from 3 submitters: Likely benign (3). Last evaluated 2025-12-03.

Conditions:
Hereditary cancer-predisposing syndrome. Also called: Neoplastic Syndromes, Hereditary; Hereditary neoplastic syndrome; Tumor predisposition; Hereditary Cancer Syndrome. Identifiers: Orphanet 140162, MedGen C0027672, MeSH D009386, MONDO:0015356.

Allele frequency attached by ClinVar (database versions not stated): gnomAD 0.00001; ExAC 0.00002; gnomAD exomes 0.00002; TOPMed 0.00002.
gnomAD v4.1: 34 of 1,614,104 alleles (0.0021%); highest among the groups gnomAD compares: Non-Finnish European, 0.0028%; no homozygotes.

Submissions (3):

Labcorp Genetics (formerly Invitae), Labcorp
Classification: Likely benign. Last evaluated: 2025-12-03. Review status: criteria provided, single submitter. Criteria: Invitae Variant Classification Sherloc (09022015). Collection method: clinical testing. Allele origin: germline.

CeGaT Center for Human Genetics Tuebingen
Classification: Likely benign. Last evaluated: 2023-06-01. Review status: criteria provided, single submitter. Criteria: CeGaT Center For Human Genetics Tuebingen Variant Classification Criteria Version 2. Collection method: clinical testing. Allele origin: germline. Affected: yes. Observed: 1 variant allele.
Comment: BIVM-ERCC5: BP4, BP7; ERCC5: BP4, BP7

Sema4
Classification: Likely benign for Hereditary cancer-predisposing syndrome. Last evaluated: 2021-10-14. Review status: criteria provided, single submitter. Criteria: Sema4 Curation Guidelines. Collection method: curation. Allele origin: germline.

NM_000123.4(ERCC5):c.1593T>C (p.Asn531=)

Genes: BIVM-ERCC5 (BIVM-ERCC5 readthrough; plus strand), ERCC5 (ERCC excision repair 5, endonuclease; plus strand). Cytogenetic location: 13q33.1.
Variant type: single nucleotide variant.
Coding change: c.1593T>C on transcript NM_000123.4 (MANE Select); coding-DNA position 1593, T replaced by C.
Protein change: p.Asn531=; no amino-acid change (asparagine 531 retained).
Molecular consequence: synonymous variant.
Genome position (GRCh38, 1-based): chr13:102,862,742, T>C. VCF-style: chr13-102862742-T-C. GRCh37 (hg19) VCF-style: chr13-103515092-T-C.
Other names: c.2955T>C, p.Asn985= (NM_001204425.2).
Identifiers: ClinVar variation 1692179 (VCV001692179.30), dbSNP rs762970178, ClinGen allele CA7041439.